The following is an entry in ClinVar:

NM_032608.7(MYO18B):c.3509C>T (p.Ala1170Val)

Gene: MYO18B (myosin XVIIIB; plus strand). Cytogenetic location: 22q12.1.
Variant type: single nucleotide variant.
Coding change: c.3509C>T on transcript NM_032608.7 (MANE Select); coding-DNA position 3509, C replaced by T.
Protein change: p.Ala1170Val; replaces alanine 1170 with valine.
Molecular consequence: missense variant.
Genome position (GRCh38, 1-based): chr22:25,846,240, C>T. VCF-style: chr22-25846240-C-T. GRCh37 (hg19) VCF-style: chr22-26242207-C-T.
Other names: c.3512C>T, p.Ala1171Val (NM_001318245.2); short protein forms A1170V, A1171V.
Identifiers: ClinVar variation 1028970 (VCV001028970.4), dbSNP rs754177763, ClinGen allele CA10160580.

ClinVar aggregate classification (germline): Uncertain significance. Review status: criteria provided, multiple submitters, no conflicts (2 of 4 stars). 2 submissions from 2 submitters: Uncertain significance (2). Last evaluated 2024-02-24.

Conditions:
Klippel-Feil anomaly-myopathy-facial dysmorphism syndrome. Also called: Klippel-feil syndrome 4, autosomal recessive, with nemaline myopathy and facial dysmorphism; Klippel-Feil syndrome 4, autosomal recessive, with myopathy and facial dysmorphism. Identifiers: Orphanet 447974, MedGen C4225285, MONDO:0014689, OMIM 616549.

Allele frequency attached by ClinVar (database versions not stated): ExAC 0.00001; gnomAD exomes 0.00001 and 0.00002; gnomAD 0.00002; TOPMed 0.00003.
gnomAD v4.1: 25 of 1,612,100 alleles (0.0016%); highest among the groups gnomAD compares: Middle Eastern, 0.02%; no homozygotes.

Submissions (2):

Labcorp Genetics (formerly Invitae), Labcorp
Classification: Uncertain significance. Last evaluated: 2024-02-24. Review status: criteria provided, single submitter. Criteria: Invitae Variant Classification Sherloc (09022015). Collection method: clinical testing. Allele origin: germline.
Comment: This sequence change replaces alanine, which is neutral and non-polar, with valine, which is neutral and non-polar, at codon 1170 of the MYO18B protein (p.Ala1170Val). This variant is present in population databases (rs754177763, gnomAD 0.007%). This variant has not been reported in the literature in individuals affected with MYO18B-related conditions. ClinVar contains an entry for this variant (Variation ID: 1028970). An algorithm developed to predict the effect of missense changes on protein structure and function (PolyPhen-2) suggests that this variant is likely to be disruptive. In summary, the available evidence is currently insufficient to determine the role of this variant in disease. Therefore, it has been classified as a Variant of Uncertain Significance.

Baylor Genetics
Classification: Uncertain significance for Klippel-Feil anomaly-myopathy-facial dysmorphism syndrome. Last evaluated: 2020-05-05. Review status: criteria provided, single submitter. Criteria: ACMG Guidelines, 2015. Collection method: clinical testing. Allele origin: unknown. Affected: yes.
Comment: This variant was determined to be of uncertain significance according to ACMG Guidelines, 2015 [PMID:25741868].